The following is an entry in ClinVar:

ClinVar aggregate classification (germline): Uncertain significance. Review status: criteria provided, multiple submitters, no conflicts (2 of 4 stars). 2 submissions from 2 submitters: Uncertain significance (2). Last evaluated 2026-07-06.

Conditions:
Hereditary cancer-predisposing syndrome. Also called: Hereditary Cancer Syndrome; Hereditary neoplastic syndrome; Neoplastic Syndromes, Hereditary; Tumor predisposition. Identifiers: Orphanet 140162, MedGen C0027672, MeSH D009386, MONDO:0015356.

Submissions (2):

Ambry Genetics
Classification: Uncertain significance for Hereditary cancer-predisposing syndrome. Last evaluated: 2026-07-06. Review status: criteria provided, single submitter. Criteria: Ambry Variant Classification Scheme 2023. Collection method: clinical testing. Allele origin: germline.
Comment: The p.Y192N variant (also known as c.574T>A), located in coding exon 6 of the NF2 gene, results from a T to A substitution at nucleotide position 574. The tyrosine at codon 192 is replaced by asparagine, an amino acid with dissimilar properties. This amino acid position is conserved. In addition, this alteration is predicted to be deleterious by in silico analysis. Based on the available evidence, the clinical significance of this variant remains unclear.

GeneDx
Classification: Uncertain significance. Last evaluated: 2022-12-02. Review status: criteria provided, single submitter. Criteria: GeneDx Variant Classification Process June 2021. Collection method: clinical testing. Allele origin: germline. Affected: yes.
Comment: Not observed at significant frequency in large population cohorts (gnomAD); In silico analysis supports that this missense variant has a deleterious effect on protein structure/function; Has not been previously published as pathogenic or benign to our knowledge; This variant is associated with the following publications: (PMID: 16324214, 11756419)

NM_000268.4(NF2):c.574T>A (p.Tyr192Asn)

Gene: NF2 (NF2, moesin-ezrin-radixin like (MERLIN) tumor suppressor; plus strand). Cytogenetic location: 22q12.2.
Variant type: single nucleotide variant.
Coding change: c.574T>A on transcript NM_000268.4 (MANE Select); coding-DNA position 574, T replaced by A.
Protein change: p.Tyr192Asn; replaces tyrosine 192 with asparagine.
Molecular consequence: missense variant. On other transcripts: intron variant (1).
Genome position (GRCh38, 1-based): chr22:29,655,651, T>A. VCF-style: chr22-29655651-T-A. GRCh37 (hg19) VCF-style: chr22-30051640-T-A.
Other names: c.460T>A, p.Tyr154Asn (NM_001407053.1, NM_001407056.1); c.451T>A, p.Tyr151Asn (NM_001407054.1, NM_001407058.1, NM_001407062.1 and 1 more transcripts); c.448T>A, p.Tyr150Asn (NM_001407055.1, NM_181828.3); c.574T>A, p.Tyr192Asn (NM_001407057.1, NM_001407059.1, NM_001407060.1 and 4 more transcripts); c.325T>A, p.Tyr109Asn (NM_001407063.1, NM_001407064.1, NM_181830.3 and 1 more transcripts); c.40T>A, p.Tyr14Asn (NM_001407065.1); c.343T>A, p.Tyr115Asn (NM_001407067.1); c.447+13366T>A (NM_181833.3); short protein forms Y109N, Y115N, Y14N, Y150N, Y151N, Y154N, Y192N.
Identifiers: ClinVar variation 2504229 (VCV002504229.2), dbSNP rs2518556304, ClinGen allele CA411142647.
Genomic context (GRCh38, chr22:29,655,651, plus strand): 5'-TAGGTAATAAATCTGTATCAGATGACTCCGGAAATGTGGGAGGAGAGAATTACTGCTTGG[T>A]ACGCAGAGCACCGAGGCCGAGCCAGGTGAGGCCCATTCATTGTTGGTTTACATTCCTTTA-3'
Protein context (NP_000259.1, residues 182-202): EMWEERITAW[Tyr192Asn]AEHRGRARDE